The following is an entry in ClinVar:

NM_001042492.3(NF1):c.5202del (p.Glu1735fs)

Gene: NF1 (neurofibromin 1; plus strand). Cytogenetic location: 17q11.2.
Variant type: Deletion.
Coding change: c.5202del on transcript NM_001042492.3 (MANE Select); coding-DNA position 5202, one base deleted (A; older notation c.5202delA).
Protein change: p.Glu1735fs; shifts the reading frame from glutamic acid 1735.
Molecular consequence: frameshift variant.
Genome position (GRCh38, 1-based): chr17:31,326,186, A deleted; the last of 2 consecutive A bases (chr17:31,326,185-31,326,186); deleting either gives the same sequence. VCF-style (leftmost placement, unchanged base first): chr17-31326184-GA-G. GRCh37 (hg19) VCF-style: chr17-29653202-GA-G.
Other names: c.5139delA, p.Glu1714Argfs (NM_000267.4); short protein forms E1714fs, E1735fs.
Identifiers: ClinVar variation 3241956 (VCV003241956.2), dbSNP rs2508698152.

ClinVar aggregate classification (germline): Likely pathogenic (1 of 4 stars; one submission).

Conditions:
Neurofibromatosis, type 1 (NF1). Also called: VON RECKLINGHAUSEN DISEASE; Neurofibromatosis, type I; NEUROFIBROMATOSIS, TYPE I, SOMATIC; Peripheral type neurofibromatosis. Identifiers: Orphanet 636, MedGen C0027831, MONDO:0018975, OMIM 162200. Disease mechanism: loss of function.

Submission:

MVZ Dr. Eberhard & Partner Dortmund
Classification: Likely pathogenic for Neurofibromatosis, type 1. Last evaluated: 2024-04-30. Review status: criteria provided, single submitter. Criteria: ACMG Guidelines, 2015. Collection method: clinical testing. Allele origin: unknown. Observed: 1 heterozygote.
Comment: The deletion c.5139del for p.(Glu1714Argfs*3) in the NF1 gene has not yet been described in the literature and is not found in the reference population of different ethnic groups. It is supposed to lead to a premature stop codon due to a frameshift. Therefore it was classified as likely pathogenic.